The following is an entry in ClinVar:

ClinVar aggregate classification (germline): Uncertain significance (1 of 4 stars; one submission).

Conditions:
Actin accumulation myopathy (CMYO2A). Also called: Myopathy, actin, congenital, with cores; Nemaline myopathy 3, with intranuclear rods; Nemaline myopathy type 3; Myopathy, actin, congenital, with excess of thin myofilaments; CONGENITAL MYOPATHY 2A, TYPICAL, AUTOSOMAL DOMINANT. Identifiers: Orphanet 98904, MedGen C3711389, MONDO:0008070, OMIM 161800.

gnomAD v4.1: 1 of 1,613,948 alleles (0.000062%); highest among the groups gnomAD compares: Non-Finnish European, 0.000085%; no homozygotes.

Submission:

Department of Human Genetics, Hannover Medical School
Classification: Uncertain significance for Actin accumulation myopathy. Last evaluated: 2025-03-13. Review status: criteria provided, single submitter. Criteria: ACMG Guidelines, 2015. Collection method: clinical testing. Allele origin: germline. Inheritance: Autosomal dominant inheritance. Affected: yes.
Comment: ClinGen VCEP: PM2_Supporting, PP2, PP3

NM_001100.4(ACTA1):c.74G>A (p.Gly25Glu)

Gene: ACTA1 (actin alpha 1, skeletal muscle; minus strand). Cytogenetic location: 1q42.13.
Variant type: single nucleotide variant.
Coding change: c.74G>A on transcript NM_001100.4 (MANE Select); coding-DNA position 74, G replaced by A.
Protein change: p.Gly25Glu; replaces glycine 25 with glutamic acid.
Molecular consequence: missense variant.
Genome position (GRCh38, 1-based): chr1:229,433,042, C>T on the plus strand (G>A on the coding strand, the complement: ACTA1 is on the minus strand). VCF-style: chr1-229433042-C-T. GRCh37 (hg19) VCF-style: chr1-229568789-C-T.
Other names: short protein forms G25E.
Identifiers: ClinVar variation 3767885 (VCV003767885.2).